The following is an entry in ClinVar:

ClinVar aggregate classification (germline): Uncertain significance (1 of 4 stars; one submission).

Allele frequency attached by ClinVar (database versions not stated): gnomAD exomes below 0.00001; ExAC 0.00001.

Submission:

Labcorp Genetics (formerly Invitae), Labcorp
Classification: Uncertain significance. Last evaluated: 2026-01-27. Review status: criteria provided, single submitter. Criteria: Invitae Variant Classification Sherloc (09022015). Collection method: clinical testing. Allele origin: germline.
Comment: This sequence change replaces methionine, which is neutral and non-polar, with leucine, which is neutral and non-polar, at codon 1611 of the DSCAML1 protein (p.Met1611Leu). This variant is present in population databases (rs746862808, gnomAD no frequency). This missense change has been observed in individual(s) with developmental delay (PMID: 33057194, 35982159). ClinVar contains an entry for this variant (Variation ID: 1403958). An algorithm developed to predict the effect of missense changes on protein structure and function (PolyPhen-2) suggests that this variant is likely to be disruptive. In summary, the available evidence is currently insufficient to determine the role of this variant in disease. Therefore, it has been classified as a Variant of Uncertain Significance.

Literature cited by the submitters: PubMed 33057194; PubMed 35982159.

NM_020693.4(DSCAML1):c.4651A>C (p.Met1551Leu)

Gene: DSCAML1 (DS cell adhesion molecule like 1; minus strand). Cytogenetic location: 11q23.3.
Variant type: single nucleotide variant.
Coding change: c.4651A>C on transcript NM_020693.4 (MANE Select); coding-DNA position 4651, A replaced by C.
Protein change: p.Met1551Leu; replaces methionine 1551 with leucine.
Molecular consequence: missense variant.
Genome position (GRCh38, 1-based): chr11:117,437,191, T>G on the plus strand (A>C on the coding strand, the complement: DSCAML1 is on the minus strand). VCF-style: chr11-117437191-T-G. GRCh37 (hg19) VCF-style: chr11-117307907-T-G.
Other names: short protein forms M1551L.
Identifiers: ClinVar variation 1403958 (VCV001403958.6), dbSNP rs746862808, ClinGen allele CA6296318.